The following is an entry in ClinVar:

NM_001048174.2(MUTYH):c.630C>T (p.Asn210=)

Gene: MUTYH (mutY DNA glycosylase; minus strand). Cytogenetic location: 1p34.1.
Variant type: single nucleotide variant.
Coding change: c.630C>T on transcript NM_001048174.2 (MANE Select); coding-DNA position 630, C replaced by T.
Protein change: p.Asn210=; no amino-acid change (asparagine 210 retained).
Molecular consequence: synonymous variant. On other transcripts: non-coding transcript variant (2).
Genome position (GRCh38, 1-based): chr1:45,332,465, G>A on the plus strand (C>T on the coding strand, the complement: MUTYH is on the minus strand). VCF-style: chr1-45332465-G-A. GRCh37 (hg19) VCF-style: chr1-45798137-G-A.
Other names: c.630C>T, p.Asn210= (NM_001048171.2, NM_001048173.2, NM_001293195.2); c.633C>T, p.Asn211= (NM_001048172.2); c.714C>T, p.Asn238= (NM_001128425.2); c.675C>T, p.Asn225= (NM_001293190.2); c.663C>T, p.Asn221= (NM_001293191.2); c.354C>T, p.Asn118= (NM_001293192.2, NM_001293196.2); c.285C>T, p.Asn95= (NM_001350650.2, NM_001350651.2); c.705C>T, p.Asn235= (NM_012222.3).
Identifiers: ClinVar variation 184309 (VCV000184309.54), dbSNP rs767327888, ClinGen allele CA014164.

ClinVar aggregate classification (germline): Conflicting classifications of pathogenicity. Review status: criteria provided, conflicting classifications (1 of 4 stars). 13 submissions from 13 submitters: Uncertain significance (1); Benign (1); Likely benign (9). 2 of the submissions do not count toward it. Last evaluated 2026-01-21.

Conditions:
MUTYH-related disorder. Also called: MUTYH-related condition; MUTYH-related disorders.
Hereditary cancer-predisposing syndrome. Also called: Tumor predisposition; Neoplastic Syndromes, Hereditary; Hereditary Cancer Syndrome; Hereditary neoplastic syndrome. Identifiers: Orphanet 140162, MedGen C0027672, MeSH D009386, MONDO:0015356.
Familial adenomatous polyposis 2. Also called: MUTYH Polyposis; ADENOMAS, MULTIPLE COLORECTAL, AUTOSOMAL RECESSIVE; Adenomas, multiple colorectal; MYH-associated polyposis; FAP type 2; MUTYH-related attenuated familial adenomatous polyposis. Identifiers: Orphanet 220460, Orphanet 247798, MedGen C3272841, MONDO:0012041, OMIM 608456.

Allele frequency attached by ClinVar (database versions not stated): gnomAD exomes 0.00002 and 0.00004; ExAC 0.00003; gnomAD 0.00005; TOPMed 0.00005.

Submissions (13):

Labcorp Genetics (formerly Invitae), Labcorp
Classification: Likely benign for Familial adenomatous polyposis 2. Last evaluated: 2026-01-21. Review status: criteria provided, single submitter. Criteria: Invitae Variant Classification Sherloc (09022015). Collection method: clinical testing. Allele origin: germline.

Quest Diagnostics Nichols Institute San Juan Capistrano
Classification: Likely benign. Last evaluated: 2025-07-04. Review status: criteria provided, single submitter. Criteria: Quest Diagnostics criteria. Collection method: clinical testing. Allele origin: unknown.

Molecular Diagnostics Laboratory, Catalan Institute of Oncology
Classification: Uncertain significance for Hereditary cancer-predisposing syndrome. Last evaluated: 2025-04-15. Review status: criteria provided, single submitter. Criteria: ACMG Guidelines, 2015. Collection method: clinical testing. Allele origin: germline.
Comment: PM2_supporting, BP7 c.714C>T,located in exon9of theMUTYHgene,ispredicted to result in no splicing alteration (according to SpliceAI) and no amino acid change, p.(Asn238=) (BP7). This variant is found in 2/267800 alleles at a frequency of 0.0007% in the gnomAD v2.1.1 database, non-cancer dataset (PM2_supporting). To our knowledge, neither relevant clinical data nor well-stablished functional studies have been reported for this variant. It has been reported once in ClinVar as a likely benign variant. Based on the currently available information, c.714C>T is classified as an uncertain significance variant according to ACMG guidelines.

All of Us Research Program, National Institutes of Health
Classification: Likely benign for Familial adenomatous polyposis 2. Last evaluated: 2024-09-23. Review status: criteria provided, single submitter. Criteria: ACMG Guidelines, 2015. Collection method: clinical testing. Allele origin: germline. Inheritance: Autosomal recessive inheritance. Observed: 14 variant alleles, 14 heterozygotes.
Comment: This study involves interpretation of variants in research participants for the purpose of population health screening. Participant phenotype was not available at the time of variant classification. Additional details can be found in publication PMID: 35346344, PMCID: PMC8962531

CeGaT Center for Human Genetics Tuebingen
Classification: Likely benign. Last evaluated: 2024-08-01. Review status: criteria provided, single submitter. Criteria: CeGaT Center For Human Genetics Tuebingen Variant Classification Criteria Version 2. Collection method: clinical testing. Allele origin: germline. Affected: yes. Observed: 1 variant allele.
Comment: MUTYH: BP4, BP7

Women's Health and Genetics/Laboratory Corporation of America, LabCorp
Classification: Likely benign. Last evaluated: 2023-11-03. Review status: criteria provided, single submitter. Criteria: LabCorp Variant Classification Summary - May 2015. Collection method: clinical testing. Allele origin: germline.

Sema4
Classification: Likely benign for Hereditary cancer-predisposing syndrome. Last evaluated: 2021-12-21. Review status: criteria provided, single submitter. Criteria: Sema4 Curation Guidelines. Collection method: curation. Allele origin: germline.

GeneDx
Classification: Likely benign. Last evaluated: 2019-07-26. Review status: criteria provided, single submitter. Criteria: GeneDx Variant Classification Process June 2021. Collection method: clinical testing. Allele origin: germline. Affected: yes.
Comment: This variant is associated with the following publications: (PMID: 16134147)

Mendelics
Classification: Benign for Familial adenomatous polyposis 2. Last evaluated: 2019-05-28. Review status: criteria provided, single submitter. Criteria: Mendelics Assertion Criteria 2017. Collection method: clinical testing. Allele origin: unknown.

Color Diagnostics, LLC DBA Color Health
Classification: Likely benign for Hereditary cancer-predisposing syndrome. Last evaluated: 2016-09-23. Review status: criteria provided, single submitter. Criteria: ACMG Guidelines, 2015. Collection method: clinical testing. Allele origin: germline.

Ambry Genetics
Classification: Likely benign for Hereditary cancer-predisposing syndrome. Last evaluated: 2015-01-13. Review status: criteria provided, single submitter. Criteria: Ambry Variant Classification Scheme 2023. Collection method: clinical testing. Allele origin: germline.

PreventionGenetics, part of Exact Sciences
Classification: Likely benign for MUTYH-related condition. Last evaluated: 2022-05-20. Review status: no assertion criteria provided. Collection method: clinical testing. Allele origin: germline. Not counted in ClinVar's aggregate classification.
Comment: This variant is classified as likely benign based on ACMG/AMP sequence variant interpretation guidelines (Richards et al. 2015 PMID: 25741868, with internal and published modifications).

Counsyl
Classification: Likely benign for Familial adenomatous polyposis 2. Last evaluated: 2016-08-29. Review status: no assertion criteria provided. Collection method: clinical testing. Allele origin: unknown. Not counted in ClinVar's aggregate classification.

Literature cited by the submitters: PubMed 36243179 (cited by Quest Diagnostics Nichols Institute San Juan Capistrano); PubMed 16134147 (cited by Quest Diagnostics Nichols Institute San Juan Capistrano and Counsyl).